The following is an entry in ClinVar:

NM_000051.4(ATM):c.8939T>C (p.Leu2980Pro)

Genes: ATM (ATM serine/threonine kinase; plus strand), C11orf65 (chromosome 11 open reading frame 65; minus strand). Cytogenetic location: 11q22.3.
Variant type: single nucleotide variant.
Coding change: c.8939T>C on transcript NM_000051.4 (MANE Select); coding-DNA position 8939, T replaced by C.
Protein change: p.Leu2980Pro; replaces leucine 2980 with proline.
Molecular consequence: missense variant. On other transcripts: intron variant (2).
Genome position (GRCh38, 1-based): chr11:108,365,170, T>C. VCF-style: chr11-108365170-T-C. GRCh37 (hg19) VCF-style: chr11-108235897-T-C.
Other names: c.8939T>C, p.Leu2980Pro (NM_001351834.2); c.640+20750A>G (NM_001330368.2); c.694+20750A>G (NM_001351110.2); short protein forms L2980P.
Identifiers: ClinVar variation 1765170 (VCV001765170.4), dbSNP rs2137882193, ClinGen allele CA382530103.

ClinVar aggregate classification (germline): Uncertain significance. Review status: criteria provided, multiple submitters, no conflicts (2 of 4 stars). 2 submissions from 2 submitters: Uncertain significance (2). Last evaluated 2025-03-04.

Conditions:
Hereditary cancer-predisposing syndrome. Also called: Hereditary neoplastic syndrome; Neoplastic Syndromes, Hereditary; Tumor predisposition; Hereditary Cancer Syndrome. Identifiers: Orphanet 140162, MedGen C0027672, MeSH D009386, MONDO:0015356.

Submissions (2):

Center for Genomic Medicine, Rigshospitalet, Copenhagen University Hospital
Classification: Uncertain significance. Last evaluated: 2025-03-04. Review status: criteria provided, single submitter. Criteria: ACMG Guidelines, 2015. Collection method: clinical testing. Allele origin: germline.

Ambry Genetics
Classification: Uncertain significance for Hereditary cancer-predisposing syndrome. Last evaluated: 2020-09-10. Review status: criteria provided, single submitter. Criteria: Ambry Variant Classification Scheme 2023. Collection method: clinical testing. Allele origin: germline.
Comment: The p.L2980P variant (also known as c.8939T>C), located in coding exon 61 of the ATM gene, results from a T to C substitution at nucleotide position 8939. The leucine at codon 2980 is replaced by proline, an amino acid with similar properties. This amino acid position is not well conserved in available vertebrate species. In addition, this alteration is predicted to be tolerated by in silico analysis. Since supporting evidence is limited at this time, the clinical significance of this alteration remains unclear.